The following is an entry in ClinVar:

ClinVar aggregate classification (germline): Pathogenic (1 of 4 stars; one submission).

Conditions:
Microcephaly-intellectual disability-sensorineural hearing loss-epilepsy-abnormal muscle tone syndrome (NEDHSB). Also called: NEURODEVELOPMENTAL DISORDER WITH HEARING LOSS, SEIZURES, AND BRAIN ABNORMALITIES. Identifiers: Orphanet 457351, MedGen C4225276, MONDO:0014698, OMIM 616577.

Submission:

Labcorp Genetics (formerly Invitae), Labcorp
Classification: Pathogenic for Microcephaly-intellectual disability-sensorineural hearing loss-epilepsy-abnormal muscle tone syndrome. Last evaluated: 2022-10-25. Review status: criteria provided, single submitter. Criteria: Invitae Variant Classification Sherloc (09022015). Collection method: clinical testing. Allele origin: germline.
Comment: This variant is a gross deletion of the genomic region encompassing exon(s) 12-13 of the SPATA5 gene. This deletion is out-of-frame, and is expected to create a premature termination codon and result in an absent or disrupted protein product. Loss-of-function variants in SPATA5 are known to be pathogenic (PMID: 26299366). This variant has not been reported in the literature in individuals affected with SPATA5-related conditions. For these reasons, this variant has been classified as Pathogenic.

Literature cited by the submitters: PubMed 26299366.

NC_000004.12:g.(?_123056367)_(123057308_?)del

Gene: AFG2A (AFG2 AAA ATPase homolog A; plus strand). Cytogenetic location: 4q28.1.
Variant type: Deletion.
Identifiers: ClinVar variation 542396 (VCV000542396.4).